The following is an entry in ClinVar:

ClinVar aggregate classification (germline): Uncertain significance (1 of 4 stars; one submission).

gnomAD v4.1: 24 of 1,557,812 alleles (0.0015%); highest among the groups gnomAD compares: Admixed American, 0.002%; no homozygotes.

Submission:

Labcorp Genetics (formerly Invitae), Labcorp
Classification: Uncertain significance. Last evaluated: 2024-04-15. Review status: criteria provided, single submitter. Criteria: Invitae Variant Classification Sherloc (09022015). Collection method: clinical testing. Allele origin: germline.
Comment: This sequence change replaces arginine, which is basic and polar, with glutamine, which is neutral and polar, at codon 509 of the CRAT protein (p.Arg509Gln). The frequency data for this variant in the population databases is considered unreliable, as metrics indicate poor data quality at this position in the gnomAD database. This variant has not been reported in the literature in individuals affected with CRAT-related conditions. Algorithms developed to predict the effect of missense changes on protein structure and function output the following: SIFT: "Not Available"; PolyPhen-2: "Benign"; Align-GVGD: "Not Available". The glutamine amino acid residue is found in multiple mammalian species, which suggests that this missense change does not adversely affect protein function. In summary, the available evidence is currently insufficient to determine the role of this variant in disease. Therefore, it has been classified as a Variant of Uncertain Significance.

NM_000755.5(CRAT):c.1526G>A (p.Arg509Gln)

Gene: CRAT (carnitine O-acetyltransferase; minus strand). Cytogenetic location: 9q34.11.
Variant type: single nucleotide variant.
Coding change: c.1526G>A on transcript NM_000755.5 (MANE Select); coding-DNA position 1526, G replaced by A.
Protein change: p.Arg509Gln; replaces arginine 509 with glutamine.
Molecular consequence: missense variant.
Genome position (GRCh38, 1-based): chr9:129,097,251, C>T on the plus strand (G>A on the coding strand, the complement: CRAT is on the minus strand). VCF-style: chr9-129097251-C-T. GRCh37 (hg19) VCF-style: chr9-131859530-C-T.
Other names: c.1463G>A, p.Arg488Gln (NM_001257363.3, NM_001346548.2, NM_004003.4); c.1529G>A, p.Arg510Gln (NM_001346546.2); c.1526G>A, p.Arg509Gln (NM_001346547.2); c.1406G>A, p.Arg469Gln (NM_001346549.2); short protein forms R469Q, R509Q, R488Q, R510Q.
Identifiers: ClinVar variation 3712723 (VCV003712723.2).